The following is an entry in ClinVar:

ClinVar aggregate classification (germline): Likely pathogenic (1 of 4 stars; one submission).

Conditions:
Autosomal recessive limb-girdle muscular dystrophy. Identifiers: Orphanet 102015, MedGen C2931907, MONDO:0015152.

Submission:

Myriad Genetics, Inc.
Classification: Likely pathogenic for Autosomal recessive limb-girdle muscular dystrophy. Last evaluated: 2019-12-22. Review status: criteria provided, single submitter. Criteria: Myriad Autosomal Dominant, Autosomal Recessive and X-Linked Classification Criteria (2023). Collection method: clinical testing. Allele origin: unknown.
Comment: NM_003494.3(DYSF):c.2509A>T(K837*) is expected to be pathogenic in the context of dysferlinopathy. This variant is predicted to lead to an abnormal or absent protein product due to the creation of a premature termination codon in DYSF, a gene where loss-of-function variants are known to be pathogenic. Please note: this variant was assessed in the context of healthy population screening.

NM_001130987.2(DYSF):c.2563A>T (p.Lys855Ter)

Gene: DYSF (dysferlin; plus strand). Cytogenetic location: 2p13.2.
Variant type: single nucleotide variant.
Coding change: c.2563A>T on transcript NM_001130987.2 (MANE Select); coding-DNA position 2563, A replaced by T.
Protein change: p.Lys855Ter; replaces lysine 855 with a stop codon.
Molecular consequence: nonsense.
Genome position (GRCh38, 1-based): chr2:71,564,211, A>T. VCF-style: chr2-71564211-A-T. GRCh37 (hg19) VCF-style: chr2-71791341-A-T.
Other names: c.2512A>T, p.Lys838Ter (NM_001130455.2, NM_001130983.2); c.2467A>T, p.Lys823Ter (NM_001130976.2, NM_001130977.2); c.2509A>T, p.Lys837Ter (NM_001130978.2, NM_003494.4); c.2602A>T, p.Lys868Ter (NM_001130979.2); c.2560A>T, p.Lys854Ter (NM_001130980.2, NM_001130981.2); c.2605A>T, p.Lys869Ter (NM_001130982.2); c.2470A>T, p.Lys824Ter (NM_001130984.2, NM_001130986.2); c.2563A>T, p.Lys855Ter (NM_001130985.2); short protein forms K823*, K824*, K837*, K838*, K854*, K855*, K868*, K869*.
Identifiers: ClinVar variation 983669 (VCV000983669.4), dbSNP rs2091951931, ClinGen allele CA347211901.